The following is an entry in ClinVar:

NM_005956.4(MTHFD1):c.959T>C (p.Ile320Thr)

Gene: MTHFD1 (methylenetetrahydrofolate dehydrogenase, cyclohydrolase and formyltetrahydrofolate synthetase 1; plus strand). Cytogenetic location: 14q23.3.
Variant type: single nucleotide variant.
Coding change: c.959T>C on transcript NM_005956.4 (MANE Select); coding-DNA position 959, T replaced by C.
Protein change: p.Ile320Thr; replaces isoleucine 320 with threonine.
Molecular consequence: missense variant.
Genome position (GRCh38, 1-based): chr14:64,426,024, T>C. VCF-style: chr14-64426024-T-C. GRCh37 (hg19) VCF-style: chr14-64892742-T-C.
Other names: c.959T>C, p.Ile320Thr (NM_001364837.1); short protein forms I320T.
Identifiers: ClinVar variation 1495776 (VCV001495776.8), dbSNP rs138454755, ClinGen allele CA7226088.

ClinVar aggregate classification (germline): Uncertain significance (1 of 4 stars; one submission).

Allele frequency attached by ClinVar (database versions not stated): gnomAD exomes below 0.00001 and 0.00001; ExAC 0.00001; gnomAD 0.00001; ESP Exome Variant Server 0.00008.
gnomAD v4.1: 5 of 1,613,442 alleles (0.00031%); highest among the groups gnomAD compares: East Asian, 0.0067%; no homozygotes.

Submission:

Labcorp Genetics (formerly Invitae), Labcorp
Classification: Uncertain significance. Last evaluated: 2021-01-19. Review status: criteria provided, single submitter. Criteria: Invitae Variant Classification Sherloc (09022015). Collection method: clinical testing. Allele origin: germline.
Comment: This variant has not been reported in the literature in individuals with MTHFD1-related conditions. In summary, the available evidence is currently insufficient to determine the role of this variant in disease. Therefore, it has been classified as a Variant of Uncertain Significance. Algorithms developed to predict the effect of missense changes on protein structure and function are either unavailable or do not agree on the potential impact of this missense change (SIFT: "Deleterious"; PolyPhen-2: "Benign"; Align-GVGD: "Class C0"). This variant is present in population databases (rs138454755, ExAC 0.01%). This sequence change replaces isoleucine with threonine at codon 320 of the MTHFD1 protein (p.Ile320Thr). The isoleucine residue is moderately conserved and there is a moderate physicochemical difference between isoleucine and threonine.